The following is an entry in ClinVar:

NM_021220.4(OVOL2):c.23A>G (p.Lys8Arg)

Gene: OVOL2 (ovo like zinc finger 2; minus strand). Cytogenetic location: 20p11.23.
Variant type: single nucleotide variant.
Coding change: c.23A>G on transcript NM_021220.4 (MANE Select); coding-DNA position 23, A replaced by G.
Protein change: p.Lys8Arg; replaces lysine 8 with arginine.
Molecular consequence: missense variant. On other transcripts: intron variant (2).
Genome position (GRCh38, 1-based): chr20:18,057,612, T>C on the plus strand (A>G on the coding strand, the complement: OVOL2 is on the minus strand). VCF-style: chr20-18057612-T-C. GRCh37 (hg19) VCF-style: chr20-18038256-T-C.
Other names: c.-76+1468A>G (NM_001303462.1); c.-296-735A>G (NM_001303461.1); short protein forms K8R.
Identifiers: ClinVar variation 3728626 (VCV003728626.2).
Genomic context (GRCh38, chr20:18,057,612, plus strand): 5'-GCCCTTTTCTCATCCGGGAGCTCATCCCAGCTGCGGACCGAGACCCCCAGGCTCCTCCTC[T>C]TCACCAGGAAGACTTTGGGCATGGTGGGGTCCCCTCTCCCGACTGCGGCCCCCTCCTCCC-3'
Protein context (NP_067043.2, residues 1-18): MPKVFLV[Lys8Arg]RRSLGVSVRS

ClinVar aggregate classification (germline): Uncertain significance (1 of 4 stars; one submission).

gnomAD v4.1: 1 of 1,591,330 alleles (0.000063%); highest among the groups gnomAD compares: South Asian, 0.0011%; no homozygotes.

Submission:

Labcorp Genetics (formerly Invitae), Labcorp
Classification: Uncertain significance. Last evaluated: 2025-01-07. Review status: criteria provided, single submitter. Criteria: Invitae Variant Classification Sherloc (09022015). Collection method: clinical testing. Allele origin: germline.
Comment: This sequence change replaces lysine, which is basic and polar, with arginine, which is basic and polar, at codon 8 of the OVOL2 protein (p.Lys8Arg). This variant is present in population databases (rs750280184, gnomAD 0.004%). This variant has not been reported in the literature in individuals affected with OVOL2-related conditions. An algorithm developed to predict the effect of missense changes on protein structure and function (PolyPhen-2) suggests that this variant is likely to be disruptive. In summary, the available evidence is currently insufficient to determine the role of this variant in disease. Therefore, it has been classified as a Variant of Uncertain Significance.